The following is an entry in ClinVar:

NM_001939.3(DRP2):c.-167+1G>T

Gene: DRP2 (dystrophin related protein 2; plus strand). Cytogenetic location: Xq22.1.
Variant type: single nucleotide variant.
Coding change: c.-167+1G>T on transcript NM_001939.3 (MANE Select); the canonical splice donor site of the intron after 167 bases upstream of the start codon, G replaced by T.
Molecular consequence: splice donor variant.
Genome position (GRCh38, 1-based): chrX:101,220,147, G>T. VCF-style: chrX-101220147-G-T. GRCh37 (hg19) VCF-style: chrX-100475136-G-T.
Other names: c.-118+1G>T (NM_001171184.2).
Identifiers: ClinVar variation 5016459 (VCV005016459.1).

ClinVar aggregate classification (germline): Likely pathogenic (1 of 4 stars; one submission).

Conditions:
Charcot-Marie-Tooth disease. Also called: Charcot-Marie-Tooth Neuropathy; Charcot-Marie-Tooth Hereditary Neuropathy. Identifiers: Orphanet 166, MedGen C0007959, MONDO:0015626.

Submission:

Laboratory of Functional Genomics, Research Centre for Medical Genetics
Classification: Likely pathogenic for Charcot-Marie-Tooth disease. Last evaluated: 2026-10-07. Review status: criteria provided, single submitter. Criteria: ACMG Guidelines, 2015. Collection method: research. Allele origin: germline. Inheritance: X-linked inheritance. Affected: yes. Observed: 1 variant allele, 1 hemizygote.
Comment: The DRP2 NM_001939.2:c.-167+1G>T variant affects the canonical donor splice site of intron 1. The variant is absent from population databases. In silico SpliceAI predicted a deleterious effect on splicing. In silico AlphaGenome predicted a reduction in DRP2 mRNA expression and decreased usage of splice sites across the gene, rather than a major change in transcript structure. RNA analysis of patient-derived fibroblasts demonstrated aberrant splicing with an 84-bp extension of non-coding exon 1, while a luciferase reporter assay showed markedly reduced reporter activity and transcript levels. Taken together, the clinical, genetic, and functional findings support a pathogenic role for this variant.